The following is an entry in ClinVar:

NM_000393.5(COL5A2):c.2500-134A>G

Gene: COL5A2 (collagen type V alpha 2 chain; minus strand). Cytogenetic location: 2q32.2.
Variant type: single nucleotide variant.
Coding change: c.2500-134A>G on transcript NM_000393.5 (MANE Select); 134 bases into the intron before coding-DNA position 2500, A replaced by G.
Molecular consequence: intron variant.
Genome position (GRCh38, 1-based): chr2:189,053,611, T>C on the plus strand (A>G on the coding strand, the complement: COL5A2 is on the minus strand). VCF-style: chr2-189053611-T-C. GRCh37 (hg19) VCF-style: chr2-189918337-T-C.
Identifiers: ClinVar variation 672286 (VCV000672286.2), dbSNP rs6750027, ClinGen allele CA62597466.
Genomic context (GRCh38, chr2:189,053,611, plus strand): 5'-TATAAATCTGATAGTTAGACATGTAAATATAGAAAAATTACACATATTGCTTAAGGAAGG[T>C]CCTTAAGGATTATATAAAGATATAGGTCATAGAACAAAATTCCCAAGGTCAGAAGTCTCA-3'

ClinVar aggregate classification (germline): Benign. Review status: criteria provided, multiple submitters, no conflicts (2 of 4 stars). 2 submissions from 2 submitters: Benign (2). Last evaluated 2018-06-14.

Allele frequency attached by ClinVar (database versions not stated): 1000 Genomes Project 30x 0.80200; 1000 Genomes Project 0.80751; TOPMed 0.85567; gnomAD 0.87297 and 0.87431; gnomAD exomes 0.92210.
gnomAD v4.1: 758,652 of 831,206 alleles (91%); highest among the groups gnomAD compares: Non-Finnish European, 95%; 348,731 homozygotes.

Submissions (2):

GeneDx
Classification: Benign. Last evaluated: 2018-06-14. Review status: criteria provided, single submitter. Criteria: GeneDx Variant Classification (06012015). Collection method: clinical testing. Allele origin: germline. Affected: yes.
Comment: This variant is considered likely benign or benign based on one or more of the following criteria: it is a conservative change, it occurs at a poorly conserved position in the protein, it is predicted to be benign by multiple in silico algorithms, and/or has population frequency not consistent with disease.

Breakthrough Genomics
Classification: Benign. Review status: criteria provided, single submitter. Criteria: ACMG Guidelines, 2015. Collection method: not provided. Allele origin: germline. Inheritance: Autosomal dominant inheritance. Affected: yes.